The following is an entry in ClinVar:

ClinVar aggregate classification (germline): Uncertain significance (1 of 4 stars; one submission).

Conditions:
Intellectual developmental disorder, autosomal dominant 1. Also called: Intellectual disability, autosomal dominant 1; MBD5 Haploinsufficiency. Identifiers: Orphanet 228402, MedGen C1969562, MONDO:0007974, OMIM 156200.

Allele frequency attached by ClinVar (database versions not stated): gnomAD exomes below 0.00001; TOPMed below 0.00001; ExAC 0.00002.
gnomAD v4.1: 2 of 1,613,992 alleles (0.00012%); highest among the groups gnomAD compares: Admixed American, 0.0033%; no homozygotes.

Submission:

Labcorp Genetics (formerly Invitae), Labcorp
Classification: Uncertain significance for Intellectual developmental disorder, autosomal dominant 1. Last evaluated: 2024-02-24. Review status: criteria provided, single submitter. Criteria: Invitae Variant Classification Sherloc (09022015). Collection method: clinical testing. Allele origin: germline.
Comment: This sequence change replaces asparagine, which is neutral and polar, with serine, which is neutral and polar, at codon 384 of the MBD5 protein (p.Asn384Ser). This variant is present in population databases (rs769703318, gnomAD 0.006%). This variant has not been reported in the literature in individuals affected with MBD5-related conditions. ClinVar contains an entry for this variant (Variation ID: 2132167). Advanced modeling of protein sequence and biophysical properties (such as structural, functional, and spatial information, amino acid conservation, physicochemical variation, residue mobility, and thermodynamic stability) performed at Invitae indicates that this missense variant is not expected to disrupt MBD5 protein function with a negative predictive value of 80%. In summary, the available evidence is currently insufficient to determine the role of this variant in disease. Therefore, it has been classified as a Variant of Uncertain Significance.

NM_001378120.1(MBD5):c.1151A>G (p.Asn384Ser)

Gene: MBD5 (methyl-CpG binding domain protein 5; plus strand). Cytogenetic location: 2q23.1.
Variant type: single nucleotide variant.
Coding change: c.1151A>G on transcript NM_001378120.1 (MANE Select); coding-DNA position 1151, A replaced by G.
Protein change: p.Asn384Ser; replaces asparagine 384 with serine.
Molecular consequence: missense variant.
Genome position (GRCh38, 1-based): chr2:148,469,094, A>G. VCF-style: chr2-148469094-A-G. GRCh37 (hg19) VCF-style: chr2-149226663-A-G.
Other names: c.1151A>G, p.Asn384Ser (NM_018328.5); short protein forms N384S.
Identifiers: ClinVar variation 2132167 (VCV002132167.4), dbSNP rs769703318, ClinGen allele CA1899983.